The following is an entry in ClinVar:

ClinVar aggregate classification (germline): Pathogenic (1 of 4 stars; one submission).

Conditions:
ALG6-congenital disorder of glycosylation 1C (CDG1C). Also called: CDG Ic; Congenital disorder of glycosylation, type Ic; CARBOHYDRATE-DEFICIENT GLYCOPROTEIN SYNDROME, TYPE I, WITH DEFICIENT GLYCOSYLATION OF DOLICHOL-LINKED OLIGOSACCHARIDE; CARBOHYDRATE-DEFICIENT GLYCOPROTEIN SYNDROME, TYPE V; Congenital disorder of glycosylation type 1C. Identifiers: Orphanet 79320, MedGen C2930997, MONDO:0011291, OMIM 603147.

Submission:

Labcorp Genetics (formerly Invitae), Labcorp
Classification: Pathogenic for ALG6-congenital disorder of glycosylation 1C. Last evaluated: 2023-12-21. Review status: criteria provided, single submitter. Criteria: Invitae Variant Classification Sherloc (09022015). Collection method: clinical testing. Allele origin: unknown.
Comment: This variant is a gross deletion of the genomic region encompassing exon(s) 3 of the ALG6 gene. This deletion is out-of-frame, and is expected to create a premature termination codon and result in an absent or disrupted protein product. Loss-of-function variants in ALG6 are known to be pathogenic (PMID: 19862844). This variant has not been reported in the literature in individuals affected with ALG6-related conditions. For these reasons, this variant has been classified as Pathogenic.

Literature cited by the submitters: PubMed 19862844.

NC_000001.10:g.(?_63862164)_(63862288_?)del

Gene: ALG6 (ALG6 alpha-1,3-glucosyltransferase; plus strand). Cytogenetic location: 1p31.3.
Variant type: Deletion.
Identifiers: ClinVar variation 3247794 (VCV003247794.1).